The following is an entry in ClinVar:

ClinVar aggregate classification (germline): Pathogenic (1 of 4 stars; one submission).

Conditions:
Hereditary factor VIII deficiency disease (HEMA). Also called: AUTOSOMAL HEMOPHILIA A; Hemophilia A; HEMOPHILIA, CLASSIC; Hemophilia A, congenital; HEM A; Factor 8 deficiency, congenital. Identifiers: Orphanet 98878, MedGen C0019069, MONDO:0010602, OMIM 306700.

Submission:

ARUP Laboratories, Molecular Genetics and Genomics, ARUP Laboratories
Classification: Pathogenic for Hereditary factor VIII deficiency disease. Last evaluated: 2019-01-24. Review status: criteria provided, single submitter. Criteria: ARUP Molecular Germline Variant Investigation Process. Collection method: clinical testing. Allele origin: germline.
Comment: The F8 c.6638C>T; p.Ser2213Phe variant, also reported as Ser2194Phe, has been described in at least one individual affected with severe hemophilia A (Guillet 2006). It is absent from general population databases (Exome Variant Server and Genome Aggregation Database), indicating it is not a common polymorphism. The serine at codon 2213 is highly conserved, and computational algorithms (PolyPhen-2, SIFT) predict that this variant is deleterious. Additionally, other variants at this codon (c.6638C>G; p.Ser2213Cys, c.6637T>C; p.Ser2213Pro, and c.6638C>A; p.Ser2213Tyr) have been reported in individuals with severe hemophilia A and are considered pathogenic (see link to F8 database and references therein, Santacroce 2008). Based on available information, the p.Ser2213Phe variant is considered pathogenic. REFERENCES Link to F8 database: Guillet B et al. Detection of 95 novel mutations in coagulation factor VIII gene F8 responsible for hemophilia A: results from a single institution. Hum Mutat. 2006 Jul;27(7):676-85. Santacroce R et al. Identification of 217 unreported mutations in the F8 gene in a group of 1,410 unselected Italian patients with hemophilia A. J Hum Genet. 2008;53(3):275-84.

NM_000132.4(F8):c.6638C>T (p.Ser2213Phe)

Gene: F8 (coagulation factor VIII; minus strand). Cytogenetic location: Xq28.
Variant type: single nucleotide variant.
Coding change: c.6638C>T on transcript NM_000132.4 (MANE Select); coding-DNA position 6638, C replaced by T.
Protein change: p.Ser2213Phe; replaces serine 2213 with phenylalanine.
Molecular consequence: missense variant.
Genome position (GRCh38, 1-based): chrX:154,861,803, G>A on the plus strand (C>T on the coding strand, the complement: F8 is on the minus strand). VCF-style: chrX-154861803-G-A. GRCh37 (hg19) VCF-style: chrX-154090078-G-A.
Other names: c.233C>T, p.Ser78Phe (NM_019863.3); short protein forms S2213F, S78F.
Identifiers: ClinVar variation 811281 (VCV000811281.8), dbSNP rs1603431511, ClinGen allele CA414905792.